The following is an entry in ClinVar:

ClinVar aggregate classification (germline): Uncertain significance (1 of 4 stars; one submission).

Conditions:
Pheochromocytoma. Also called: MAX-Related Hereditary Paraganglioma-Pheochromocytoma Syndrome. Identifiers: Orphanet 29072, MedGen C0031511, MONDO:0008233, OMIM 171300, HP:0002666.

gnomAD v4.1: 1 of 1,614,144 alleles (0.000062%); highest among the groups gnomAD compares: African/African-American, 0.0013%; no homozygotes.

Submission:

St. Jude Molecular Pathology, St. Jude Children's Research Hospital
Classification: Uncertain significance for Pheochromocytoma. Last evaluated: 2024-07-17. Review status: criteria provided, single submitter. Criteria: St. Jude Assertion Criteria 2020. Collection method: clinical testing. Allele origin: germline.
Comment: The KIF1B c.3367A>G (p.Lys1123Glu) missense change is absent in gnomAD v2.1.1. The in silico tool REVEL predicts a benign effect on protein function, but to our knowledge this prediction has not been confirmed by functional studies. To our knowledge, this variant has not been reported in individuals with pheochromocytoma or neuroblastoma. In summary, the evidence currently available is insufficient to determine the clinical significance of this variant. It has therefore been classified as of uncertain significance.

NM_001365951.3(KIF1B):c.2115+7306A>G

Gene: KIF1B (kinesin family member 1B; plus strand). Cytogenetic location: 1p36.22.
Variant type: single nucleotide variant.
Coding change: c.2115+7306A>G on transcript NM_001365951.3 (MANE Select); 7306 bases into the intron after coding-DNA position 2115, A replaced by G.
Molecular consequence: intron variant. On other transcripts: missense variant (2).
Genome position (GRCh38, 1-based): chr1:10,304,552, A>G. VCF-style: chr1-10304552-A-G. GRCh37 (hg19) VCF-style: chr1-10364610-A-G.
Other names: c.3367A>G, p.Lys1123Glu (NM_001365953.1, NM_183416.4); c.1977+7306A>G (NM_015074.3); c.2115+7306A>G (NM_001365952.1); short protein forms K1123E.
Identifiers: ClinVar variation 3602671 (VCV003602671.1).